The following is an entry in ClinVar:

ClinVar aggregate classification (germline): Pathogenic (1 of 4 stars; one submission).

Conditions:
Hereditary cancer-predisposing syndrome. Also called: Neoplastic Syndromes, Hereditary; Tumor predisposition; Hereditary Cancer Syndrome; Hereditary neoplastic syndrome. Identifiers: Orphanet 140162, MedGen C0027672, MeSH D009386, MONDO:0015356.

Submission:

Ambry Genetics
Classification: Pathogenic for Hereditary cancer-predisposing syndrome. Last evaluated: 2018-10-30. Review status: criteria provided, single submitter. Criteria: Ambry Variant Classification Scheme 2023. Collection method: clinical testing. Allele origin: germline.
Comment: The c.3395_3396delAAinsG pathogenic mutation, located in coding exon 10 of the BRCA2 gene, results from the deletion of two nucleotides and insertion of one nucleotide at positions 3395 to 3396, causing a translational frameshift with a predicted alternate stop codon (p.K1132Sfs*18). This alteration is expected to result in loss of function by premature protein truncation or nonsense-mediated mRNA decay. As such, this alteration is interpreted as a disease-causing mutation.

NM_000059.4(BRCA2):c.3395_3396delinsG (p.Lys1132fs)

Gene: BRCA2 (BRCA2 DNA repair associated; plus strand). Cytogenetic location: 13q13.1.
Variant type: Indel.
Coding change: c.3395_3396delinsG on transcript NM_000059.4 (MANE Select); coding-DNA positions 3395 to 3396, AA replaced by G.
Protein change: p.Lys1132fs; shifts the reading frame from lysine 1132.
Molecular consequence: frameshift variant.
Genome position (GRCh38, 1-based): chr13:32,337,750-32,337,751, AA replaced by G. VCF-style: chr13-32337750-AA-G. GRCh37 (hg19) VCF-style: chr13-32911887-AA-G.
Other names: c.3395_3396delAAinsG, p.Lys1132Serfs (NM_001406719.1, NM_001406720.1); short protein forms K1132fs.
Identifiers: ClinVar variation 1730938 (VCV001730938.2), dbSNP rs2548525842, ClinGen allele CA2580087070.
Genomic context (GRCh38, chr13:32,337,750, plus strand): 5'-CAGAACTTTCTACTATATTAGAAGAATCAGGAAGTCAGTTTGAATTTACTCAGTTTAGAA[AA>G]CCAAGCTACATATTGCAGAAGAGTACATTTGAAGTGCCTGAAAACCAGATGACTATCTTA-3'